The following is an entry in ClinVar:

NM_004656.4(BAP1):c.*641C>T

Gene: BAP1 (BRCA1 associated deubiquitinase 1; minus strand). Cytogenetic location: 3p21.1.
Variant type: single nucleotide variant.
Coding change: c.*641C>T on transcript NM_004656.4 (MANE Select); 641 bases downstream of the stop codon, C replaced by T.
Molecular consequence: 3 prime UTR variant.
Genome position (GRCh38, 1-based): chr3:52,401,647, G>A on the plus strand (C>T on the coding strand, the complement: BAP1 is on the minus strand). VCF-style: chr3-52401647-G-A. GRCh37 (hg19) VCF-style: chr3-52435663-G-A.
Other names: c.*641C>T (NM_001410772.1).
Identifiers: ClinVar variation 3045859 (VCV003045859.3), dbSNP rs773360470, ClinGen allele CA74739556.
Genomic context (GRCh38, chr3:52,401,647, plus strand): 5'-TTCACAGGCCACTGAACAGTTCCCACATGCTCTGCTCAGGCCATGGGATCCCAGCAGCCT[G>A]CTCACCCCAACCCCACTGGGACACCCTACTCCCAACCCAGCCCAGTGCTGGGTCCCTGAG-3'

ClinVar aggregate classification (germline): Likely benign (1 of 4 stars; one submission).

Conditions:
BAP1-related disorder. Also called: BAP1-related condition.

Allele frequency attached by ClinVar (database versions not stated): TOPMed 0.00002; gnomAD exomes 0.00003.
gnomAD v4.1: 2 of 237,252 alleles (0.00084%); highest among the groups gnomAD compares: Non-Finnish European, 0.0017%; no homozygotes.

Submission:

PreventionGenetics, part of Exact Sciences
Classification: Likely benign for BAP1-related condition. Last evaluated: 2025-08-13. Review status: criteria provided, single submitter. Criteria: ACMG Guidelines, 2015. Collection method: clinical testing. Allele origin: germline.
Comment: This variant is classified as likely benign based on ACMG/AMP sequence variant interpretation guidelines (Richards et al. 2015 PMID: 25741868, with internal and published modifications).